The following is an entry in ClinVar:

NM_003482.4(KMT2D):c.8366+2T>A

Gene: KMT2D (lysine methyltransferase 2D; minus strand). Cytogenetic location: 12q13.12.
Variant type: single nucleotide variant.
Coding change: c.8366+2T>A on transcript NM_003482.4 (MANE Select); the canonical splice donor site of the intron after coding-DNA position 8366, T replaced by A.
Molecular consequence: splice donor variant.
Genome position (GRCh38, 1-based): chr12:49,039,220, A>T on the plus strand (T>A on the coding strand, the complement: KMT2D is on the minus strand). VCF-style: chr12-49039220-A-T. GRCh37 (hg19) VCF-style: chr12-49433003-A-T.
Identifiers: ClinVar variation 4773792 (VCV004773792.1).

ClinVar aggregate classification (germline): Likely pathogenic (1 of 4 stars; one submission).

Conditions:
Kabuki syndrome. Also called: Kabuki make-up syndrome; NIIKAWA-KUROKI SYNDROME. Identifiers: Orphanet 2322, MedGen C0796004, MONDO:0016512.

Submission:

Labcorp Genetics (formerly Invitae), Labcorp
Classification: Likely pathogenic for Kabuki syndrome. Last evaluated: 2025-06-15. Review status: criteria provided, single submitter. Criteria: Invitae Variant Classification Sherloc (09022015). Collection method: clinical testing. Allele origin: germline.
Comment: This sequence change affects a donor splice site in intron 33 of the KMT2D gene. It is expected to disrupt RNA splicing. Variants that disrupt the donor or acceptor splice site typically lead to a loss of protein function (PMID: 16199547), and loss-of-function variants in KMT2D are known to be pathogenic (PMID: 22126750). This variant is not present in population databases (gnomAD no frequency). Disruption of this splice site has been observed in individual(s) with Kabuki syndrome (PMID: 27302555). Algorithms developed to predict the effect of sequence changes on RNA splicing suggest that this variant may disrupt the consensus splice site. In summary, the currently available evidence indicates that the variant is pathogenic, but additional data are needed to prove that conclusively. Therefore, this variant has been classified as Likely Pathogenic.

Literature cited by the submitters: PubMed 16199547; PubMed 22126750; PubMed 27302555.